The following is an entry in ClinVar:

ClinVar aggregate classification (germline): Uncertain significance (1 of 4 stars; one submission).

Conditions:
Myasthenic syndrome, congenital, 22 (CMS22). Also called: PREPL DEFICIENCY. Identifiers: MedGen C4479088, MONDO:0044299, OMIM 616224.

Allele frequency attached by ClinVar (database versions not stated): gnomAD exomes below 0.00001; TOPMed below 0.00001; ExAC 0.00001; gnomAD 0.00001; ESP Exome Variant Server 0.00008.
gnomAD v4.1: 3 of 1,603,012 alleles (0.00019%); highest among the groups gnomAD compares: Non-Finnish European, 0.00026%; no homozygotes.

Submission:

Labcorp Genetics (formerly Invitae), Labcorp
Classification: Uncertain significance for Myasthenic syndrome, congenital, 22. Last evaluated: 2021-08-15. Review status: criteria provided, single submitter. Criteria: Invitae Variant Classification Sherloc (09022015). Collection method: clinical testing. Allele origin: germline.
Comment: In summary, the available evidence is currently insufficient to determine the role of this variant in disease. Therefore, it has been classified as a Variant of Uncertain Significance. Algorithms developed to predict the effect of missense changes on protein structure and function are either unavailable or do not agree on the potential impact of this missense change (SIFT: "Deleterious"; PolyPhen-2: "Probably Damaging"; Align-GVGD: "Class C0"). This variant has not been reported in the literature in individuals affected with PREPL-related conditions. This sequence change replaces asparagine with histidine at codon 609 of the PREPL protein (p.Asn609His). The asparagine residue is moderately conserved and there is a small physicochemical difference between asparagine and histidine. This variant is present in population databases (rs371835756, ExAC 0.002%).

NM_001171613.2(PREPL):c.1558A>C (p.Asn520His)

Gene: PREPL (prolyl endopeptidase like; minus strand). Cytogenetic location: 2p21.
Variant type: single nucleotide variant.
Coding change: c.1558A>C on transcript NM_001171613.2 (MANE Select); coding-DNA position 1558, A replaced by C.
Protein change: p.Asn520His; replaces asparagine 520 with histidine.
Molecular consequence: missense variant.
Genome position (GRCh38, 1-based): chr2:44,323,333, T>G on the plus strand (A>C on the coding strand, the complement: PREPL is on the minus strand). VCF-style: chr2-44323333-T-G. GRCh37 (hg19) VCF-style: chr2-44550472-T-G.
Other names: c.1639A>C, p.Asn547His (NM_001042385.2); c.1627A>C, p.Asn543His (NM_001042386.2); c.1825A>C, p.Asn609His (NM_001171603.1, NM_001171606.2, NM_001374275.1 and 2 more transcripts); c.1558A>C, p.Asn520His (NM_001171617.1, NM_001374277.1); short protein forms N609H, N543H, N520H, N547H.
Identifiers: ClinVar variation 1523074 (VCV001523074.4), dbSNP rs371835756, ClinGen allele CA1641050.